The following is an entry in ClinVar:

ClinVar aggregate classification (germline): Uncertain significance (1 of 4 stars; one submission).

Conditions:
Familial adenomatous polyposis 1 (FAP1). Also called: POLYPOSIS, ADENOMATOUS INTESTINAL; FAMILIAL ADENOMATOUS POLYPOSIS 1, ATTENUATED. Identifiers: MedGen C2713442, MONDO:0021056, OMIM 175100. Disease mechanism: loss of function.

Submission:

Labcorp Genetics (formerly Invitae), Labcorp
Classification: Uncertain significance for Familial adenomatous polyposis 1. Last evaluated: 2021-08-06. Review status: criteria provided, single submitter. Criteria: Invitae Variant Classification Sherloc (09022015). Collection method: clinical testing. Allele origin: germline.
Comment: This sequence change replaces glycine with alanine at codon 2360 of the APC protein (p.Gly2360Ala). The glycine residue is highly conserved and there is a small physicochemical difference between glycine and alanine. This variant is not present in population databases (ExAC no frequency). This variant has not been reported in the literature in individuals affected with APC-related conditions. Algorithms developed to predict the effect of missense changes on protein structure and function are either unavailable or do not agree on the potential impact of this missense change (SIFT: "Deleterious"; PolyPhen-2: "Possibly Damaging"; Align-GVGD: "Class C0"). In summary, the available evidence is currently insufficient to determine the role of this variant in disease. Therefore, it has been classified as a Variant of Uncertain Significance.

NM_000038.6(APC):c.7079G>C (p.Gly2360Ala)

Gene: APC (APC regulator of Wnt signaling pathway; plus strand). Cytogenetic location: 5q22.2.
Variant type: single nucleotide variant.
Coding change: c.7079G>C on transcript NM_000038.6 (MANE Select); coding-DNA position 7079, G replaced by C.
Protein change: p.Gly2360Ala; replaces glycine 2360 with alanine.
Molecular consequence: missense variant.
Genome position (GRCh38, 1-based): chr5:112,842,673, G>C. VCF-style: chr5-112842673-G-C. GRCh37 (hg19) VCF-style: chr5-112178370-G-C.
Other names: c.7079G>C, p.Gly2360Ala (NM_001127510.3, NM_001354895.2); c.7025G>C, p.Gly2342Ala (NM_001127511.3); c.7133G>C, p.Gly2378Ala (NM_001354896.2); c.7109G>C, p.Gly2370Ala (NM_001354897.2); c.7004G>C, p.Gly2335Ala (NM_001354898.2); c.6995G>C, p.Gly2332Ala (NM_001354899.2); c.6956G>C, p.Gly2319Ala (NM_001354900.2); c.6902G>C, p.Gly2301Ala (NM_001354901.2); and 5 more; short protein forms G2301A, G2319A, G2077A, G2360A, G2370A, G2378A, G2200A, G2234A.
Identifiers: ClinVar variation 1420447 (VCV001420447.6), dbSNP rs750960862, ClinGen allele CA16036754.